The following is an entry in ClinVar:

NM_003846.3(PEX11B):c.8C>G (p.Ala3Gly)

Gene: PEX11B (peroxisomal biogenesis factor 11 beta; minus strand). Cytogenetic location: 1q21.1.
Variant type: single nucleotide variant.
Coding change: c.8C>G on transcript NM_003846.3 (MANE Select); coding-DNA position 8, C replaced by G.
Protein change: p.Ala3Gly; replaces alanine 3 with glycine.
Molecular consequence: missense variant. On other transcripts: non-coding transcript variant (2).
Genome position (GRCh38, 1-based): chr1:145,918,681, G>C on the plus strand (C>G on the coding strand, the complement: PEX11B is on the minus strand). VCF-style: chr1-145918681-G-C. GRCh37 (hg19) VCF-style: chr1-145516408-C-G.
Other names: short protein forms A3G.
Identifiers: ClinVar variation 806206 (VCV000806206.45), dbSNP rs782021198, ClinGen allele CA1055464.

ClinVar aggregate classification (germline): Uncertain significance. Review status: criteria provided, multiple submitters, no conflicts (2 of 4 stars). 2 submissions from 2 submitters: Uncertain significance (2). Last evaluated 2023-08-24.

Allele frequency attached by ClinVar (database versions not stated): TOPMed 0.00005; ExAC 0.00008.

Submissions (2):

Labcorp Genetics (formerly Invitae), Labcorp
Classification: Uncertain significance. Last evaluated: 2023-08-24. Review status: criteria provided, single submitter. Criteria: Invitae Variant Classification Sherloc (09022015). Collection method: clinical testing. Allele origin: germline.
Comment: This sequence change replaces alanine, which is neutral and non-polar, with glycine, which is neutral and non-polar, at codon 3 of the PEX11B protein (p.Ala3Gly). This variant is present in population databases (rs782021198, gnomAD 0.009%). This variant has not been reported in the literature in individuals affected with PEX11B-related conditions. ClinVar contains an entry for this variant (Variation ID: 806206). An algorithm developed to predict the effect of missense changes on protein structure and function (PolyPhen-2) suggests that this variant¬†is likely to be tolerated. In summary, the available evidence is currently insufficient to determine the role of this variant in disease. Therefore, it has been classified as a Variant of Uncertain Significance.

CeGaT Center for Human Genetics Tuebingen
Classification: Uncertain significance. Last evaluated: 2019-01-01. Review status: criteria provided, single submitter. Criteria: CeGaT Center For Human Genetics Tuebingen Variant Classification Criteria Version 2. Collection method: clinical testing. Allele origin: germline. Affected: yes. Observed: 1 variant allele.